The following is an entry in ClinVar:

NM_015202.5(KATNIP):c.4722C>G (p.Ala1574=)

Gene: KATNIP (katanin interacting protein; plus strand). Cytogenetic location: 16p12.1.
Variant type: single nucleotide variant.
Coding change: c.4722C>G on transcript NM_015202.5 (MANE Select); coding-DNA position 4722, C replaced by G.
Protein change: p.Ala1574=; no amino-acid change (alanine 1574 retained).
Molecular consequence: synonymous variant.
Genome position (GRCh38, 1-based): chr16:27,777,890, C>G. VCF-style: chr16-27777890-C-G. GRCh37 (hg19) VCF-style: chr16-27789211-C-G.
Identifiers: ClinVar variation 2646344 (VCV002646344.25), dbSNP rs373515155, ClinGen allele CA7978754.

ClinVar aggregate classification (germline): Likely benign. Review status: criteria provided, multiple submitters, no conflicts (2 of 4 stars). 2 submissions from 2 submitters: Likely benign (2). Last evaluated 2025-07-01.

Submissions (2):

CeGaT Center for Human Genetics Tuebingen
Classification: Likely benign. Last evaluated: 2025-07-01. Review status: criteria provided, single submitter. Criteria: CeGaT Center For Human Genetics Tuebingen Variant Classification Criteria Version 2. Collection method: clinical testing. Allele origin: germline. Affected: yes. Observed: 3 variant alleles.
Comment: KATNIP: BP4, BP7

Blueprint Genetics
Classification: Likely benign. Last evaluated: 2024-10-17. Review status: criteria provided, single submitter. Criteria: ACMG Guidelines, 2015. Collection method: clinical testing. Allele origin: germline.